The following is an entry in ClinVar:

ClinVar aggregate classification (germline): Uncertain significance. Review status: criteria provided, multiple submitters, no conflicts (2 of 4 stars). 3 submissions from 3 submitters: Uncertain significance (2). 1 of the submissions does not count toward it. Last evaluated 2023-05-13.

Conditions:
CHARGE syndrome (CHARGE). Also called: Hittner Hirsch Kreh syndrome; CHARGE ASSOCIATION--COLOBOMA, HEART ANOMALY, CHOANAL ATRESIA, RETARDATION, GENITAL AND EAR ANOMALIES; Coloboma, heart anomaly, choanal atresia, retardation, genital and ear anomalies; CHARGE association; Hall-Hittner syndrome. Identifiers: Orphanet 138, MedGen C0265354, MONDO:0008965.
SEMA3E-related disorder. Also called: SEMA3E-related condition.

Allele frequency attached by ClinVar (database versions not stated): gnomAD exomes below 0.00001 and 0.00001.
gnomAD v4.1: 3 of 1,613,974 alleles (0.00019%); highest among the groups gnomAD compares: Non-Finnish European, 0.00025%; no homozygotes.

Submissions (3):

Labcorp Genetics (formerly Invitae), Labcorp
Classification: Uncertain significance for CHARGE syndrome. Last evaluated: 2023-05-13. Review status: criteria provided, single submitter. Criteria: Invitae Variant Classification Sherloc (09022015). Collection method: clinical testing. Allele origin: germline.
Comment: In summary, the available evidence is currently insufficient to determine the role of this variant in disease. Therefore, it has been classified as a Variant of Uncertain Significance. Advanced modeling of protein sequence and biophysical properties (such as structural, functional, and spatial information, amino acid conservation, physicochemical variation, residue mobility, and thermodynamic stability) performed at Invitae indicates that this missense variant is not expected to disrupt SEMA3E protein function. ClinVar contains an entry for this variant (Variation ID: 1367731). This variant has not been reported in the literature in individuals affected with SEMA3E-related conditions. This variant is present in population databases (no rsID available, gnomAD 0.0009%). This sequence change replaces arginine, which is basic and polar, with serine, which is neutral and polar, at codon 631 of the SEMA3E protein (p.Arg631Ser).

Revvity Omics, Revvity
Classification: Uncertain significance. Last evaluated: 2021-07-26. Review status: criteria provided, single submitter. Criteria: ACMG Guidelines, 2015. Collection method: clinical testing. Allele origin: germline.

PreventionGenetics, part of Exact Sciences
Classification: Uncertain significance for SEMA3E-related condition. Last evaluated: 2024-03-24. Review status: no assertion criteria provided. Collection method: clinical testing. Allele origin: germline. Not counted in ClinVar's aggregate classification.
Comment: The SEMA3E c.1893A>C variant is predicted to result in the amino acid substitution p.Arg631Ser. To our knowledge, this variant has not been reported in the literature. This variant is reported in 0.00090% of alleles in individuals of European (Non-Finnish) descent in gnomAD. At this time, the clinical significance of this variant is uncertain due to the absence of conclusive functional and genetic evidence.

NM_012431.3(SEMA3E):c.1893A>C (p.Arg631Ser)

Gene: SEMA3E (semaphorin 3E; minus strand). Cytogenetic location: 7q21.11.
Variant type: single nucleotide variant.
Coding change: c.1893A>C on transcript NM_012431.3 (MANE Select); coding-DNA position 1893, A replaced by C.
Protein change: p.Arg631Ser; replaces arginine 631 with serine.
Molecular consequence: missense variant.
Genome position (GRCh38, 1-based): chr7:83,368,021, T>G on the plus strand (A>C on the coding strand, the complement: SEMA3E is on the minus strand). VCF-style: chr7-83368021-T-G. GRCh37 (hg19) VCF-style: chr7-82997337-T-G.
Other names: c.1893A>C (NM_012431.2); c.1713A>C, p.Arg571Ser (NM_001178129.2); short protein forms R631S, R571S.
Identifiers: ClinVar variation 1367731 (VCV001367731.9), dbSNP rs900496407, ClinGen allele CA161146255.